The following is an entry in ClinVar:

ClinVar aggregate classification (germline): Likely pathogenic (1 of 4 stars; one submission).

Conditions:
Microcephaly-intellectual disability-sensorineural hearing loss-epilepsy-abnormal muscle tone syndrome (NEDHSB). Also called: NEURODEVELOPMENTAL DISORDER WITH HEARING LOSS, SEIZURES, AND BRAIN ABNORMALITIES. Identifiers: Orphanet 457351, MedGen C4225276, MONDO:0014698, OMIM 616577.

Submission:

Labcorp Genetics (formerly Invitae), Labcorp
Classification: Likely pathogenic for Microcephaly-intellectual disability-sensorineural hearing loss-epilepsy-abnormal muscle tone syndrome. Last evaluated: 2023-08-14. Review status: criteria provided, single submitter. Criteria: Invitae Variant Classification Sherloc (09022015). Collection method: clinical testing. Allele origin: germline.
Comment: This variant is not present in population databases (gnomAD no frequency). This sequence change affects a splice site in intron 14 of the SPATA5 gene. It is expected to disrupt RNA splicing. Variants that disrupt the donor or acceptor splice site typically lead to a loss of protein function (PMID: 16199547), and loss-of-function variants in SPATA5 are known to be pathogenic (PMID: 26299366). This variant has not been reported in the literature in individuals affected with SPATA5-related conditions. Algorithms developed to predict the effect of sequence changes on RNA splicing suggest that this variant may disrupt the consensus splice site. In summary, the currently available evidence indicates that the variant is pathogenic, but additional data are needed to prove that conclusively. Therefore, this variant has been classified as Likely Pathogenic.

Literature cited by the submitters: PubMed 16199547; PubMed 26299366.

NM_145207.3(AFG2A):c.2340+1_2340+5del

Gene: AFG2A (AAA ATPase AFG2A; plus strand). Cytogenetic location: 4q28.1.
Variant type: Deletion.
Coding change: c.2340+1_2340+5del on transcript NM_145207.3 (MANE Select); the canonical splice donor site of the intron after coding-DNA position 2340 through 5 bases into the intron after coding-DNA position 2340, 5 bases deleted (GTAAG; older notation c.2340+1_2340+5delGTAAG).
Molecular consequence: splice donor variant.
Genome position (GRCh38, 1-based): chr4:123,090,706-123,090,710, GTAAG deleted; deleting any 5 consecutive bases within chr4:123,090,703-123,090,710 gives the same sequence; the c. name uses the placement nearest the transcript's 3' end. VCF-style (leftmost placement, unchanged base first): chr4-123090702-CAAGGT-C. GRCh37 (hg19) VCF-style: chr4-124011857-CAAGGT-C.
Other names: c.2337+1_2337+5del (NM_001345856.2).
Identifiers: ClinVar variation 3751662 (VCV003751662.2).